The following is an entry in ClinVar:

NM_001164665.2(KIAA1549):c.469A>G (p.Met157Val)

Gene: KIAA1549 (KIAA1549; minus strand). Cytogenetic location: 7q34.
Variant type: single nucleotide variant.
Coding change: c.469A>G on transcript NM_001164665.2 (MANE Select); coding-DNA position 469, A replaced by G.
Protein change: p.Met157Val; replaces methionine 157 with valine.
Molecular consequence: missense variant.
Genome position (GRCh38, 1-based): chr7:138,919,157, T>C on the plus strand (A>G on the coding strand, the complement: KIAA1549 is on the minus strand). VCF-style: chr7-138919157-T-C. GRCh37 (hg19) VCF-style: chr7-138603903-T-C.
Other names: c.469A>G, p.Met157Val (NM_020910.3); short protein forms M157V.
Identifiers: ClinVar variation 1497098 (VCV001497098.8), dbSNP rs2130483755, ClinGen allele CA369403001.

ClinVar aggregate classification (germline): Uncertain significance (1 of 4 stars; one submission).

Submission:

Labcorp Genetics (formerly Invitae), Labcorp
Classification: Uncertain significance. Last evaluated: 2025-03-17. Review status: criteria provided, single submitter. Criteria: Invitae Variant Classification Sherloc (09022015). Collection method: clinical testing. Allele origin: germline.
Comment: This sequence change replaces methionine, which is neutral and non-polar, with valine, which is neutral and non-polar, at codon 157 of the KIAA1549 protein (p.Met157Val). This variant is not present in population databases (gnomAD no frequency). This variant has not been reported in the literature in individuals affected with KIAA1549-related conditions. ClinVar contains an entry for this variant (Variation ID: 1497098). An algorithm developed to predict the effect of missense changes on protein structure and function (PolyPhen-2) suggests that this variant is likely to be disruptive. In summary, the available evidence is currently insufficient to determine the role of this variant in disease. Therefore, it has been classified as a Variant of Uncertain Significance.